The following is an entry in ClinVar:

ClinVar aggregate classification (germline): Uncertain significance. Review status: criteria provided, multiple submitters, no conflicts (2 of 4 stars). 5 submissions from 5 submitters: Uncertain significance (5). Last evaluated 2023-05-19.

Conditions:
Inborn genetic diseases. Identifiers: MedGen C0950123, MeSH D030342.
Majeed syndrome (MJDS). Also called: CHRONIC RECURRENT MULTIFOCAL OSTEOMYELITIS 1, WITH CONGENITAL DYSERYTHROPOIETIC ANEMIA, WITH OR WITHOUT NEUTROPHILIC DERMATOSIS; LPIN2-Related Majeed Syndrome. Identifiers: Orphanet 77297, MedGen C1864997, MONDO:0012316, OMIM 609628.
Autoinflammatory syndrome. Identifiers: Orphanet 93665, MedGen C3890737, MONDO:0019751.

Allele frequency attached by ClinVar (database versions not stated): gnomAD exomes 0.00006; TOPMed 0.00008; ExAC 0.00009; gnomAD 0.00013 and 0.00025; ESP Exome Variant Server 0.00015.
gnomAD v4.1: 108 of 1,612,768 alleles (0.0067%); highest among the groups gnomAD compares: Non-Finnish European, 0.0089%; no homozygotes.

Submissions (5):

Revvity Omics, Revvity
Classification: Uncertain significance for Majeed syndrome. Last evaluated: 2023-05-19. Review status: criteria provided, single submitter. Criteria: ACMG Guidelines, 2015. Collection method: clinical testing. Allele origin: germline.

Ambry Genetics
Classification: Uncertain significance for Inborn genetic diseases. Last evaluated: 2023-02-07. Review status: criteria provided, single submitter. Criteria: Ambry Variant Classification Scheme 2023. Collection method: clinical testing. Allele origin: germline.

Labcorp Genetics (formerly Invitae), Labcorp
Classification: Uncertain significance for Majeed syndrome. Last evaluated: 2022-08-05. Review status: criteria provided, single submitter. Criteria: Invitae Variant Classification Sherloc (09022015). Collection method: clinical testing. Allele origin: germline.
Comment: This sequence change replaces alanine, which is neutral and non-polar, with proline, which is neutral and non-polar, at codon 595 of the LPIN2 protein (p.Ala595Pro). This variant is present in population databases (rs373929015, gnomAD 0.02%). This variant has not been reported in the literature in individuals affected with LPIN2-related conditions. ClinVar contains an entry for this variant (Variation ID: 326637). Algorithms developed to predict the effect of missense changes on protein structure and function (SIFT, PolyPhen-2, Align-GVGD) all suggest that this variant is likely to be tolerated. In summary, the available evidence is currently insufficient to determine the role of this variant in disease. Therefore, it has been classified as a Variant of Uncertain Significance.

Genome Diagnostics Laboratory, The Hospital for Sick Children
Classification: Uncertain significance for Autoinflammatory syndrome. Last evaluated: 2020-12-18. Review status: criteria provided, single submitter. Criteria: ACMG Guidelines, 2015. Collection method: clinical testing. Allele origin: germline. Affected: yes.

Illumina Laboratory Services, Illumina
Classification: Uncertain significance for Majeed syndrome. Last evaluated: 2018-01-12. Review status: criteria provided, single submitter. Criteria: ICSL Variant Classification Criteria 13 December 2019. Collection method: clinical testing. Allele origin: germline.

NM_001375808.2(LPIN2):c.1783G>C (p.Ala595Pro)

Gene: LPIN2 (lipin 2; minus strand). Cytogenetic location: 18p11.31.
Variant type: single nucleotide variant.
Coding change: c.1783G>C on transcript NM_001375808.2 (MANE Select); coding-DNA position 1783, G replaced by C.
Protein change: p.Ala595Pro; replaces alanine 595 with proline.
Molecular consequence: missense variant.
Genome position (GRCh38, 1-based): chr18:2,926,733, C>G on the plus strand (G>C on the coding strand, the complement: LPIN2 is on the minus strand). VCF-style: chr18-2926733-C-G. GRCh37 (hg19) VCF-style: chr18-2926731-C-G.
Other names: c.1783G>C, p.Ala595Pro (NM_001375809.1, NM_014646.2); short protein forms A595P.
Identifiers: ClinVar variation 326637 (VCV000326637.15), dbSNP rs373929015, ClinGen allele CA8872968.